The following is an entry in ClinVar:

NM_004369.4(COL6A3):c.9450C>A (p.Asn3150Lys)

Genes: COL6A3 (collagen type VI alpha 3 chain; minus strand), LOC126806573 (CDK7 strongly-dependent group 2 enhancer GRCh37_chr2:238233151-238234350; plus strand). Cytogenetic location: 2q37.3.
Variant type: single nucleotide variant.
Coding change: c.9450C>A on transcript NM_004369.4 (MANE Select); coding-DNA position 9450, C replaced by A.
Protein change: p.Asn3150Lys; replaces asparagine 3150 with lysine.
Molecular consequence: missense variant.
Genome position (GRCh38, 1-based): chr2:237,325,603, G>T on the plus strand (C>A on the coding strand, the complement: COL6A3 is on the minus strand). VCF-style: chr2-237325603-G-T. GRCh37 (hg19) VCF-style: chr2-238234246-G-T.
Other names: c.7629C>A, p.Asn2543Lys (NM_057166.5); c.8832C>A, p.Asn2944Lys (NM_057167.4); short protein forms N2543K, N3150K, N2944K.
Identifiers: ClinVar variation 2710004 (VCV002710004.3), dbSNP rs1327434207, ClinGen allele CA351185417.

ClinVar aggregate classification (germline): Uncertain significance (1 of 4 stars; one submission).

Conditions:
Bethlem myopathy 1A. Also called: MYOPATHY, BENIGN CONGENITAL, WITH CONTRACTURES; Bethlem myopathy 1; Bethlem Muscular Dystrophy. Identifiers: Orphanet 610, MedGen CN029274, MONDO:0024530, OMIM 158810.

gnomAD v4.1: 1 of 1,614,134 alleles (0.000062%); highest among the groups gnomAD compares: Non-Finnish European, 0.000085%; no homozygotes.

Submission:

Labcorp Genetics (formerly Invitae), Labcorp
Classification: Uncertain significance for Bethlem myopathy 1A. Last evaluated: 2024-01-28. Review status: criteria provided, single submitter. Criteria: Invitae Variant Classification Sherloc (09022015). Collection method: clinical testing. Allele origin: germline.
Comment: This sequence change replaces asparagine, which is neutral and polar, with lysine, which is basic and polar, at codon 3150 of the COL6A3 protein (p.Asn3150Lys). This variant is present in population databases (no rsID available, gnomAD 0.0009%). This variant has not been reported in the literature in individuals affected with COL6A3-related conditions. Advanced modeling of protein sequence and biophysical properties (such as structural, functional, and spatial information, amino acid conservation, physicochemical variation, residue mobility, and thermodynamic stability) performed at Invitae indicates that this missense variant is not expected to disrupt COL6A3 protein function with a negative predictive value of 95%. In summary, the available evidence is currently insufficient to determine the role of this variant in disease. Therefore, it has been classified as a Variant of Uncertain Significance.